The following is an entry in ClinVar:

ClinVar aggregate classification (germline): Likely benign (1 of 4 stars; one submission).

Allele frequency attached by ClinVar (database versions not stated): gnomAD 0.03252 and 0.03309; 1000 Genomes Project 30x 0.03357; TOPMed 0.03422; 1000 Genomes Project 0.03514.
gnomAD v4.1: 4,925 of 152,190 alleles (3.2%); highest among the groups gnomAD compares: Middle Eastern, 5.1%; 82 homozygotes.

Submission:

GeneDx
Classification: Likely benign. Last evaluated: 2018-06-16. Review status: criteria provided, single submitter. Criteria: GeneDx Variant Classification (06012015). Collection method: clinical testing. Allele origin: germline. Affected: yes.
Comment: This variant is considered likely benign or benign based on one or more of the following criteria: it is a conservative change, it occurs at a poorly conserved position in the protein, it is predicted to be benign by multiple in silico algorithms, and/or has population frequency not consistent with disease.

NM_001256545.2(MEGF10):c.3233-299C>T

Gene: MEGF10 (multiple EGF like domains 10; plus strand). Cytogenetic location: 5q23.2.
Variant type: single nucleotide variant.
Coding change: c.3233-299C>T on transcript NM_001256545.2 (MANE Select); 299 bases into the intron before coding-DNA position 3233, C replaced by T.
Molecular consequence: intron variant.
Genome position (GRCh38, 1-based): chr5:127,456,829, C>T. VCF-style: chr5-127456829-C-T. GRCh37 (hg19) VCF-style: chr5-126792521-C-T.
Other names: c.3233-299C>T (NM_032446.3).
Identifiers: ClinVar variation 673641 (VCV000673641.1), dbSNP rs17164929, ClinGen allele CA126953592.